The following is an entry in ClinVar:

ClinVar aggregate classification (germline): Uncertain significance (1 of 4 stars; one submission).

Conditions:
Pityriasis rubra pilaris (PRP). Also called: Pityriasis rubra pilaris--familial type. Identifiers: Orphanet 2897, MedGen C0032027, MONDO:0100017, OMIM 173200, MONDO:0008251.
Psoriasis 2. Identifiers: MedGen C1864497, MONDO:0011269, OMIM 602723.

Allele frequency attached by ClinVar (database versions not stated): gnomAD 0.00001; gnomAD exomes 0.00002 and 0.00003; TOPMed 0.00002; ExAC 0.00003.
gnomAD v4.1: 26 of 1,612,374 alleles (0.0016%); highest among the groups gnomAD compares: Admixed American, 0.0067%; no homozygotes.

Submission:

Labcorp Genetics (formerly Invitae), Labcorp
Classification: Uncertain significance for Pityriasis rubra pilaris; Psoriasis 2. Last evaluated: 2025-03-31. Review status: criteria provided, single submitter. Criteria: Invitae Variant Classification Sherloc (09022015). Collection method: clinical testing. Allele origin: germline.
Comment: This sequence change replaces threonine, which is neutral and polar, with methionine, which is neutral and non-polar, at codon 658 of the CARD14 protein (p.Thr658Met). This variant is present in population databases (rs769208715, gnomAD 0.01%). This variant has not been reported in the literature in individuals affected with CARD14-related conditions. ClinVar contains an entry for this variant (Variation ID: 640433). Invitae Evidence Modeling of protein sequence and biophysical properties (such as structural, functional, and spatial information, amino acid conservation, physicochemical variation, residue mobility, and thermodynamic stability) indicates that this missense variant is not expected to disrupt CARD14 protein function with a negative predictive value of 95%. In summary, the available evidence is currently insufficient to determine the role of this variant in disease. Therefore, it has been classified as a Variant of Uncertain Significance.

NM_001366385.1(CARD14):c.1973C>T (p.Thr658Met)

Genes: CARD14 (caspase recruitment domain family member 14; plus strand), SGSH (N-sulfoglucosamine sulfohydrolase; minus strand). Cytogenetic location: 17q25.3.
Variant type: single nucleotide variant.
Coding change: c.1973C>T on transcript NM_001366385.1 (MANE Select); coding-DNA position 1973, C replaced by T.
Protein change: p.Thr658Met; replaces threonine 658 with methionine.
Molecular consequence: missense variant. On other transcripts: non-coding transcript variant (1).
Genome position (GRCh38, 1-based): chr17:80,201,865, C>T. VCF-style: chr17-80201865-C-T. GRCh37 (hg19) VCF-style: chr17-78175664-C-T.
Other names: c.1973C>T, p.Thr658Met (NM_024110.4, NM_001257970.1); short protein forms T658M.
Identifiers: ClinVar variation 640433 (VCV000640433.9), dbSNP rs769208715, ClinGen allele CA8817126.